The following is an entry in ClinVar:

ClinVar aggregate classification (germline): Likely benign (1 of 4 stars; one submission).

Allele frequency attached by ClinVar (database versions not stated): gnomAD 0.00007; gnomAD exomes 0.00010.

Submission:

GeneDx
Classification: Likely benign. Last evaluated: 2017-09-29. Review status: criteria provided, single submitter. Criteria: GeneDx Variant Classification (06012015). Collection method: clinical testing. Allele origin: germline. Affected: yes.
Comment: This variant is considered likely benign or benign based on one or more of the following criteria: it is a conservative change, it occurs at a poorly conserved position in the protein, it is predicted to be benign by multiple in silico algorithms, and/or has population frequency not consistent with disease.

NM_021911.3(GABRB2):c.-152-7A>T

Gene: GABRB2 (gamma-aminobutyric acid type A receptor subunit beta2; minus strand). Cytogenetic location: 5q34.
Variant type: single nucleotide variant.
Coding change: c.-152-7A>T on transcript NM_021911.3; 7 bases into the intron before 152 bases upstream of the start codon, A replaced by T.
Molecular consequence: intron variant.
Genome position (GRCh38, 1-based): chr5:161,546,802, T>A on the plus strand (A>T on the coding strand, the complement: GABRB2 is on the minus strand). VCF-style: chr5-161546802-T-A. GRCh37 (hg19) VCF-style: chr5-160973808-T-A.
Other names: c.-152-7A>T (NM_000813.3).
Identifiers: ClinVar variation 506577 (VCV000506577.3), dbSNP rs34758743, ClinGen allele CA131044147.